The following is an entry in ClinVar:

NM_018089.3(ANKZF1):c.703C>T (p.Arg235Cys)

Gene: ANKZF1 (ankyrin repeat and zinc finger peptidyl tRNA hydrolase 1; plus strand). Cytogenetic location: 2q35.
Variant type: single nucleotide variant.
Coding change: c.703C>T on transcript NM_018089.3 (MANE Select); coding-DNA position 703, C replaced by T.
Protein change: p.Arg235Cys; replaces arginine 235 with cysteine.
Molecular consequence: missense variant.
Genome position (GRCh38, 1-based): chr2:219,233,317, C>T. VCF-style: chr2-219233317-C-T. GRCh37 (hg19) VCF-style: chr2-220098039-C-T.
Other names: c.703C>T, p.Arg235Cys (NM_001042410.2); c.73C>T, p.Arg25Cys (NM_001282792.2); c.703C>T (NM_018089.2); short protein forms R235C, R25C.
Identifiers: ClinVar variation 1350427 (VCV001350427.7), dbSNP rs753166685, ClinGen allele CA2120838.

ClinVar aggregate classification (germline): Uncertain significance. Review status: criteria provided, multiple submitters, no conflicts (2 of 4 stars). 2 submissions from 2 submitters: Uncertain significance (2). Last evaluated 2025-11-06.

Allele frequency attached by ClinVar (database versions not stated): gnomAD 0.00001; gnomAD exomes 0.00001 and 0.00002; ExAC 0.00002; TOPMed 0.00003.
gnomAD v4.1: 22 of 1,614,112 alleles (0.0014%); highest among the groups gnomAD compares: South Asian, 0.011%; no homozygotes.

Submissions (2):

Labcorp Genetics (formerly Invitae), Labcorp
Classification: Uncertain significance. Last evaluated: 2025-11-06. Review status: criteria provided, single submitter. Criteria: Invitae Variant Classification Sherloc (09022015). Collection method: clinical testing. Allele origin: germline.
Comment: This sequence change replaces arginine, which is basic and polar, with cysteine, which is neutral and slightly polar, at codon 235 of the ANKZF1 protein (p.Arg235Cys). This variant is present in population databases (rs753166685, gnomAD 0.01%). This variant has not been reported in the literature in individuals affected with ANKZF1-related conditions. ClinVar contains an entry for this variant (Variation ID: 1350427). An algorithm developed to predict the effect of missense changes on protein structure and function outputs the following: PolyPhen-2: "Benign". The cysteine amino acid residue is found in multiple mammalian species, which suggests that this missense change does not adversely affect protein function. In summary, the available evidence is currently insufficient to determine the role of this variant in disease. Therefore, it has been classified as a Variant of Uncertain Significance.

Ambry Genetics
Classification: Uncertain significance. Last evaluated: 2025-01-08. Review status: criteria provided, single submitter. Criteria: Ambry Variant Classification Scheme 2023. Collection method: clinical testing. Allele origin: germline.